The following is an entry in ClinVar:

NM_015627.3(LDLRAP1):c.64T>C (p.Trp22Arg)

Genes: LDLRAP1 (low density lipoprotein receptor adaptor protein 1; plus strand), LOC129929773 (ATAC-STARR-seq lymphoblastoid silent region 456; plus strand). Cytogenetic location: 1p36.11.
Variant type: single nucleotide variant.
Coding change: c.64T>C on transcript NM_015627.3 (MANE Select); coding-DNA position 64, T replaced by C.
Protein change: p.Trp22Arg; replaces tryptophan 22 with arginine.
Molecular consequence: missense variant.
Genome position (GRCh38, 1-based): chr1:25,543,762, T>C. VCF-style: chr1-25543762-T-C. GRCh37 (hg19) VCF-style: chr1-25870253-T-C.
Other names: short protein forms W22R.
Identifiers: ClinVar variation 296972 (VCV000296972.8), dbSNP rs1057515535, ClinGen allele CA10609981.

ClinVar aggregate classification (germline): Uncertain significance. Review status: criteria provided, multiple submitters, no conflicts (2 of 4 stars). 3 submissions from 3 submitters: Uncertain significance (3). Last evaluated 2023-04-11.

Conditions:
Hypercholesterolemia, familial, 4 (FHCL4). Also called: HYPERCHOLESTEROLEMIA, AUTOSOMAL RECESSIVE, 1; HYPERCHOLESTEROLEMIA, AUTOSOMAL RECESSIVE, 2. Identifiers: Orphanet 391665, MedGen C1863512, MONDO:0011374, OMIM 603813.
Cardiovascular phenotype. Identifiers: MedGen CN230736.

Submissions (3):

Genome-Nilou Lab
Classification: Uncertain significance for Hypercholesterolemia, familial, 4. Last evaluated: 2023-04-11. Review status: criteria provided, single submitter. Criteria: ACMG Guidelines, 2015. Collection method: clinical testing. Allele origin: germline. Affected: no.

Ambry Genetics
Classification: Uncertain significance for Cardiovascular phenotype. Last evaluated: 2022-02-11. Review status: criteria provided, single submitter. Criteria: Ambry Variant Classification Scheme 2023. Collection method: clinical testing. Allele origin: germline.
Comment: The p.W22R variant (also known as c.64T>C), located in coding exon 1 of the LDLRAP1 gene, results from a T to C substitution at nucleotide position 64. The tryptophan at codon 22 is replaced by arginine, an amino acid with dissimilar properties. This amino acid position is conserved. In addition, this alteration is predicted to be tolerated by in silico analysis. Since supporting evidence is limited at this time, the clinical significance of this alteration remains unclear.

Illumina Laboratory Services, Illumina
Classification: Uncertain significance for Hypercholesterolemia, familial, 4. Last evaluated: 2018-01-13. Review status: criteria provided, single submitter. Criteria: ICSL Variant Classification Criteria 13 December 2019. Collection method: clinical testing. Allele origin: germline.